The following is an entry in ClinVar:

NM_139057.4(ADAMTS17):c.3128-7_3164dup

Gene: ADAMTS17 (ADAM metallopeptidase with thrombospondin type 1 motif 17; minus strand). Cytogenetic location: 15q26.3.
Variant type: Duplication.
Coding change: c.3128-7_3164dup on transcript NM_139057.4 (MANE Select); 7 bases into the intron before coding-DNA position 3128 through coding-DNA position 3164, 44 bases duplicated.
Molecular consequence: splice acceptor variant.
Genome position (GRCh38, 1-based): chr15:99,974,526-99,974,569, 44 bases duplicated; duplicating any 44 consecutive bases within chr15:99,974,526-99,974,570 gives the same sequence; the c. name uses the placement nearest the transcript's 3' end. GRCh37 (hg19): chr15:100,514,732-100,514,775.
Identifiers: ClinVar variation 4753457 (VCV004753457.1).

ClinVar aggregate classification (germline): Uncertain significance (1 of 4 stars; one submission).

Submission:

Labcorp Genetics (formerly Invitae), Labcorp
Classification: Uncertain significance. Last evaluated: 2025-09-21. Review status: criteria provided, single submitter. Criteria: Invitae Variant Classification Sherloc (09022015). Collection method: clinical testing. Allele origin: germline.
Comment: This sequence change falls in intron 21 of the ADAMTS17 gene. It does not directly change the encoded amino acid sequence of the ADAMTS17 protein. This variant is present in population databases (no rsID available, gnomAD 0.0009%). This variant has not been reported in the literature in individuals affected with ADAMTS17-related conditions. This variant is also known as c.3128-7_3164dup (p.Val1056delinsPro*). Experimental studies and prediction algorithms are not available or were not evaluated, and the functional significance of this variant is currently unknown. Experimental studies and prediction algorithms are not available or were not evaluated, and the effect of this variant on mRNA splicing is currently unknown. In summary, the available evidence is currently insufficient to determine the role of this variant in disease. Therefore, it has been classified as a Variant of Uncertain Significance.